The following is an entry in ClinVar:

ClinVar aggregate classification (germline): Uncertain significance (1 of 4 stars; one submission).

Conditions:
Fibrous dysplasia of jaw (CRBM). Also called: Cherubism. Identifiers: Orphanet 184, MedGen C0008029, MONDO:0007315, OMIM 118400.

Allele frequency attached by ClinVar (database versions not stated): TOPMed below 0.00001.

Submission:

Labcorp Genetics (formerly Invitae), Labcorp
Classification: Uncertain significance for Fibrous dysplasia of jaw. Last evaluated: 2021-10-27. Review status: criteria provided, single submitter. Criteria: Invitae Variant Classification Sherloc (09022015). Collection method: clinical testing. Allele origin: germline.
Comment: In summary, the available evidence is currently insufficient to determine the role of this variant in disease. Therefore, it has been classified as a Variant of Uncertain Significance. Algorithms developed to predict the effect of missense changes on protein structure and function (SIFT, PolyPhen-2, Align-GVGD) all suggest that this variant is likely to be disruptive. This variant has not been reported in the literature in individuals affected with SH3BP2-related conditions. This variant is present in population databases (rs773829474, gnomAD 0.002%). This sequence change replaces glycine, a(n) neutral and non-polar amino acid, with serine, a(n) neutral and polar amino acid, at codon 38 of the SH3BP2 protein (p.Gly38Ser).

NM_001122681.2(SH3BP2):c.112G>A (p.Gly38Ser)

Gene: SH3BP2 (SH3 domain binding protein 2; plus strand). Cytogenetic location: 4p16.3.
Variant type: single nucleotide variant.
Coding change: c.112G>A on transcript NM_001122681.2 (MANE Select); coding-DNA position 112, G replaced by A.
Protein change: p.Gly38Ser; replaces glycine 38 with serine.
Molecular consequence: missense variant.
Genome position (GRCh38, 1-based): chr4:2,820,729, G>A. VCF-style: chr4-2820729-G-A. GRCh37 (hg19) VCF-style: chr4-2822456-G-A.
Other names: c.196G>A, p.Gly66Ser (NM_001145855.2); c.283G>A, p.Gly95Ser (NM_001145856.2); c.112G>A, p.Gly38Ser (NM_003023.4); short protein forms G66S, G38S, G95S.
Identifiers: ClinVar variation 1468335 (VCV001468335.6), dbSNP rs773829474, ClinGen allele CA2818899.